The following is an entry in ClinVar:

NM_001131016.2(CIZ1):c.1924G>A (p.Val642Ile)

Gene: CIZ1 (CDKN1A interacting zinc finger protein 1; minus strand). Cytogenetic location: 9q34.11.
Variant type: single nucleotide variant.
Coding change: c.1924G>A on transcript NM_001131016.2 (MANE Select); coding-DNA position 1924, G replaced by A.
Protein change: p.Val642Ile; replaces valine 642 with isoleucine.
Molecular consequence: missense variant.
Genome position (GRCh38, 1-based): chr9:128,176,370, C>T on the plus strand (G>A on the coding strand, the complement: CIZ1 is on the minus strand). VCF-style: chr9-128176370-C-T. GRCh37 (hg19) VCF-style: chr9-130938649-C-T.
Other names: c.1756G>A, p.Val586Ile (NM_001131015.2); c.1741G>A, p.Val581Ile (NM_001131017.2); c.1684G>A, p.Val562Ile (NM_001131018.2); c.2014G>A, p.Val672Ile (NM_001257975.2); c.1621G>A, p.Val541Ile (NM_001257976.2); c.1924G>A, p.Val642Ile (NM_012127.3); short protein forms V541I, V642I, V672I, V581I, V586I, V562I.
Identifiers: ClinVar variation 641593 (VCV000641593.9), dbSNP rs772863176, ClinGen allele CA5257204.
Genomic context (GRCh38, chr9:128,176,370, plus strand): 5'-GCCTACCCCCCAACACAGAGCTTCCACGATCCCCCACTCACTCATCCTCTGTCTCCAGGA[C>T]GTCCCGGGGCACGGGCAGCAGGGACAGGAGGCAGGCTTGGCTCATGTGCTGGATCTCCCC-3'
Protein context (NP_001124488.1, residues 632-652): LLSLLPVPRD[Val642Ile]LETEDEEPPP

ClinVar aggregate classification (germline): Uncertain significance. Review status: criteria provided, multiple submitters, no conflicts (2 of 4 stars). 2 submissions from 2 submitters: Uncertain significance (2). Last evaluated 2025-06-11.

Conditions:
Dystonic disorder. Also called: Dystonia. Identifiers: MedGen C0013421, MONDO:0003441, HP:0001332.

Allele frequency attached by ClinVar (database versions not stated): ExAC 0.00001; gnomAD 0.00001; gnomAD exomes 0.00001; TOPMed 0.00001.
gnomAD v4.1: 11 of 1,613,894 alleles (0.00068%); highest among the groups gnomAD compares: Middle Eastern, 0.016%; no homozygotes.

Submissions (2):

Ambry Genetics
Classification: Uncertain significance. Last evaluated: 2025-06-11. Review status: criteria provided, single submitter. Criteria: Ambry Variant Classification Scheme 2023. Collection method: clinical testing. Allele origin: germline.

Labcorp Genetics (formerly Invitae), Labcorp
Classification: Uncertain significance for Dystonic disorder. Last evaluated: 2018-11-02. Review status: criteria provided, single submitter. Criteria: Invitae Variant Classification Sherloc (09022015). Collection method: clinical testing. Allele origin: germline.
Comment: This sequence change replaces valine with isoleucine at codon 642 of the CIZ1 protein (p.Val642Ile). The valine residue is moderately conserved and there is a small physicochemical difference between valine and isoleucine. This variant is present in population databases (rs772863176, ExAC 0.006%). This variant has not been reported in the literature in individuals with CIZ1-related disease. Algorithms developed to predict the effect of missense changes on protein structure and function output the following: SIFT: "Tolerated"; PolyPhen-2: "Benign"; Align-GVGD: "Class C0". The isoleucine amino acid residue is found in multiple mammalian species, suggesting that this missense change does not adversely affect protein function. These predictions have not been confirmed by published functional studies and their clinical significance is uncertain. In summary, the available evidence is currently insufficient to determine the role of this variant in disease. Therefore, it has been classified as a Variant of Uncertain Significance.